The following is an entry in ClinVar:

NM_000548.5(TSC2):c.4618_4619del (p.Tyr1540fs)

Gene: TSC2 (TSC complex subunit 2; plus strand). Cytogenetic location: 16p13.3.
Variant type: Deletion.
Coding change: c.4618_4619del on transcript NM_000548.5 (MANE Select); coding-DNA positions 4618 to 4619, 2 bases deleted (TA; older notation c.4618_4619delTA).
Protein change: p.Tyr1540fs; shifts the reading frame from tyrosine 1540.
Molecular consequence: frameshift variant. On other transcripts: non-coding transcript variant (5).
Genome position (GRCh38, 1-based): chr16:2,085,278-2,085,279, TA deleted; deleting any 2 consecutive bases within chr16:2,085,277-2,085,279 gives the same sequence; the c. name uses the placement nearest the transcript's 3' end. VCF-style (leftmost placement, unchanged base first): chr16-2085276-CAT-C. GRCh37 (hg19) VCF-style: chr16-2135277-CAT-C.
Other names: c.3820_3821del, p.Tyr1274fs (NM_001406686.1, NM_001406685.1); c.3817_3818del, p.Tyr1273fs (NM_001406687.1, NM_001406688.1); c.3205_3206del, p.Tyr1069fs (NM_001406689.1); c.3145_3146del, p.Tyr1049fs (NM_001406690.1); c.3142_3143del, p.Tyr1048fs (NM_001406691.1); c.3076_3077del, p.Tyr1026fs (NM_001406692.1, NM_001406693.1, NM_001406694.1); c.3073_3074del, p.Tyr1025fs (NM_001406695.1, NM_001406696.1, NM_001406697.1); c.2815_2816del, p.Tyr939fs (NM_001406698.1); and 26 more; short protein forms Y1025fs, Y1026fs, Y1048fs, Y1049fs, Y1069fs, Y1273fs, Y1274fs, Y1296fs.
Identifiers: ClinVar variation 4531230 (VCV004531230.1).

ClinVar aggregate classification (germline): Pathogenic (1 of 4 stars; one submission).

Conditions:
Lymphangiomyomatosis (LAM). Also called: Lymphangioleiomyomatosis, somatic; Lymphangioleiomyomatosis. Identifiers: Orphanet 538, MedGen C0751674, MONDO:0011705, OMIM 606690.
Tuberous sclerosis 2 (TSC2). Identifiers: Orphanet 805, MedGen C1860707, MONDO:0013199, OMIM 613254.
Isolated focal cortical dysplasia type II (FCORD2). Also called: CORTICAL DYSPLASIA OF TAYLOR; Focal cortical dysplasia type II. Identifiers: Orphanet 268994, MedGen C1846385, MONDO:0011818, OMIM 607341, HP:0032051.

Submission:

Juno Genomics, Hangzhou Juno Genomics, Inc
Classification: Pathogenic for Tuberous sclerosis 2; Isolated focal cortical dysplasia type II; Lymphangiomyomatosis. Review status: criteria provided, single submitter. Criteria: ACMG Guidelines, 2015. Collection method: clinical testing. Allele origin: germline. Affected: yes.
Comment: Absent from controls (or at extremely low frequency if recessive) in Genome Aggregation Database, Exome Sequencing Project, 1000 Genomes Project, or Exome Aggregation Consortium.;Null variant in a gene where loss of function (LOF) is a known mechanism of disease.;Patient's phenotype or family history is highly specific for a disease with a single genetic etiology.